The following is an entry in ClinVar:

NM_006440.5(TXNRD2):c.847C>T (p.Arg283Trp)

Gene: TXNRD2 (thioredoxin reductase 2; minus strand). Cytogenetic location: 22q11.21.
Variant type: single nucleotide variant.
Coding change: c.847C>T on transcript NM_006440.5 (MANE Select); coding-DNA position 847, C replaced by T.
Protein change: p.Arg283Trp; replaces arginine 283 with tryptophan.
Molecular consequence: missense variant. On other transcripts: non-coding transcript variant (1).
Genome position (GRCh38, 1-based): chr22:19,895,509, G>A on the plus strand (C>T on the coding strand, the complement: TXNRD2 is on the minus strand). VCF-style: chr22-19895509-G-A. GRCh37 (hg19) VCF-style: chr22-19883032-G-A.
Other names: c.847C>T, p.Arg283Trp (NM_001282512.3); c.844C>T, p.Arg282Trp (NM_001352300.2); c.757C>T, p.Arg253Trp (NM_001352301.2); c.559C>T, p.Arg187Trp (NM_001352302.2); c.751C>T, p.Arg251Trp (NM_001352303.2); short protein forms R283W, R253W, R282W, R187W, R251W.
Identifiers: ClinVar variation 846179 (VCV000846179.14), dbSNP rs200981451, ClinGen allele CA10103962.

ClinVar aggregate classification (germline): Uncertain significance. Review status: criteria provided, multiple submitters, no conflicts (2 of 4 stars). 2 submissions from 2 submitters: Uncertain significance (2). Last evaluated 2025-09-08.

Conditions:
Primary dilated cardiomyopathy (DCM). Also called: Dilated Cardiomyopathy. Identifiers: Orphanet 217604, MedGen C0007193, MeSH D002311, MONDO:0005021, HP:0001644. Inheritance: Various modes of inheritance.
Cardiovascular phenotype. Identifiers: MedGen CN230736.

Allele frequency attached by ClinVar (database versions not stated): gnomAD 0.00002 and 0.00003; TOPMed 0.00002; gnomAD exomes 0.00006; ExAC 0.00008; 1000 Genomes Project 30x 0.00016; 1000 Genomes Project 0.00020.
gnomAD v4.1: 57 of 1,613,848 alleles (0.0035%); highest among the groups gnomAD compares: South Asian, 0.0055%; no homozygotes.

Submissions (2):

Labcorp Genetics (formerly Invitae), Labcorp
Classification: Uncertain significance for Primary dilated cardiomyopathy. Last evaluated: 2025-09-08. Review status: criteria provided, single submitter. Criteria: Invitae Variant Classification Sherloc (09022015). Collection method: clinical testing. Allele origin: germline.
Comment: This sequence change replaces arginine, which is basic and polar, with tryptophan, which is neutral and slightly polar, at codon 283 of the TXNRD2 protein (p.Arg283Trp). This variant is present in population databases (rs200981451, gnomAD 0.01%). This variant has not been reported in the literature in individuals affected with TXNRD2-related conditions. ClinVar contains an entry for this variant (Variation ID: 846179). Invitae Evidence Modeling of protein sequence and biophysical properties (such as structural, functional, and spatial information, amino acid conservation, physicochemical variation, residue mobility, and thermodynamic stability) indicates that this missense variant is not expected to disrupt TXNRD2 protein function with a negative predictive value of 80%. In summary, the available evidence is currently insufficient to determine the role of this variant in disease. Therefore, it has been classified as a Variant of Uncertain Significance.

Ambry Genetics
Classification: Uncertain significance for Cardiovascular phenotype. Last evaluated: 2025-08-20. Review status: criteria provided, single submitter. Criteria: Ambry Variant Classification Scheme 2023. Collection method: clinical testing. Allele origin: germline.